The following is an entry in ClinVar:

NM_001098511.3(KIF2A):c.558+145T>A

Gene: KIF2A (kinesin family member 2A; plus strand). Cytogenetic location: 5q12.1.
Variant type: single nucleotide variant.
Coding change: c.558+145T>A on transcript NM_001098511.3 (MANE Select); 145 bases into the intron after coding-DNA position 558, T replaced by A.
Molecular consequence: intron variant.
Genome position (GRCh38, 1-based): chr5:62,353,520, T>A. VCF-style: chr5-62353520-T-A. GRCh37 (hg19) VCF-style: chr5-61649347-T-A.
Other names: c.477+145T>A (NM_001243952.2); c.558+145T>A (NM_004520.5); c.501+145T>A (NM_001243953.2).
Identifiers: ClinVar variation 682864 (VCV000682864.2), dbSNP rs6886044, ClinGen allele CA12116713.
Genomic context (GRCh38, chr5:62,353,520, plus strand): 5'-ATTAAGGCATTTTTTTTGAAGAATTTTAAGAATTCCTTAAATTGATATTGAGGAATAATA[T>A]AAACTCTTGTGCAAATAAGTTACCGTAACACATTTTTACTGCATTGTTCTTTTCATGTTT-3'

ClinVar aggregate classification (germline): Benign. Review status: criteria provided, multiple submitters, no conflicts (2 of 4 stars). 2 submissions from 2 submitters: Benign (2). Last evaluated 2018-06-14.

Allele frequency attached by ClinVar (database versions not stated): gnomAD exomes 0.23529; 1000 Genomes Project 30x 0.21237; 1000 Genomes Project 0.21645; gnomAD 0.24470 and 0.24829; TOPMed 0.24619.
gnomAD v4.1: 113,687 of 476,866 alleles (24%); highest among the groups gnomAD compares: East Asian, 27%; 14,130 homozygotes.

Submissions (2):

GeneDx
Classification: Benign. Last evaluated: 2018-06-14. Review status: criteria provided, single submitter. Criteria: GeneDx Variant Classification (06012015). Collection method: clinical testing. Allele origin: germline. Affected: yes.
Comment: This variant is considered likely benign or benign based on one or more of the following criteria: it is a conservative change, it occurs at a poorly conserved position in the protein, it is predicted to be benign by multiple in silico algorithms, and/or has population frequency not consistent with disease.

Breakthrough Genomics
Classification: Benign. Review status: criteria provided, single submitter. Criteria: ACMG Guidelines, 2015. Collection method: not provided. Allele origin: germline. Inheritance: Autosomal dominant inheritance. Affected: yes.